The following is an entry in ClinVar:

NM_018006.5(TRMU):c.874-2A>G

Gene: TRMU (tRNA mitochondrial 2-thiouridylase; plus strand). Cytogenetic location: 22q13.31.
Variant type: single nucleotide variant.
Coding change: c.874-2A>G on transcript NM_018006.5 (MANE Select); the canonical splice acceptor site of the intron before coding-DNA position 874, A replaced by G.
Molecular consequence: splice acceptor variant.
Genome position (GRCh38, 1-based): chr22:46,355,442, A>G. VCF-style: chr22-46355442-A-G. GRCh37 (hg19) VCF-style: chr22-46751339-A-G.
Other names: c.874-2A>G (NM_001282785.2); c.532-2A>G (NM_001282782.2); c.454-2A>G (NM_001282783.2, NM_001282784.2).
Identifiers: ClinVar variation 2005570 (VCV002005570.5), dbSNP rs2518210719, ClinGen allele CA411915812.

ClinVar aggregate classification (germline): Likely pathogenic. Review status: criteria provided, multiple submitters, no conflicts (2 of 4 stars). 2 submissions from 2 submitters: Likely pathogenic (2). Last evaluated 2023-10-18.

Conditions:
Aminoglycoside-induced deafness. Also called: STREPTOMYCIN OTOTOXICITY; MT-RNR1-Related Hearing Loss and Deafness; DEAFNESS, STREPTOMYCIN-INDUCED. Identifiers: Orphanet 168609, MedGen C1838854, MONDO:0010799, OMIM 580000.

Submissions (2):

Baylor Genetics
Classification: Likely pathogenic for Aminoglycoside-induced deafness. Last evaluated: 2023-10-18. Review status: criteria provided, single submitter. Criteria: ACMG Guidelines, 2015. Collection method: clinical testing. Allele origin: unknown.

Labcorp Genetics (formerly Invitae), Labcorp
Classification: Likely pathogenic. Last evaluated: 2022-06-13. Review status: criteria provided, single submitter. Criteria: Invitae Variant Classification Sherloc (09022015). Collection method: clinical testing. Allele origin: germline.
Comment: In summary, the currently available evidence indicates that the variant is pathogenic, but additional data are needed to prove that conclusively. Therefore, this variant has been classified as Likely Pathogenic. Algorithms developed to predict the effect of sequence changes on RNA splicing suggest that this variant may disrupt the consensus splice site. This variant has not been reported in the literature in individuals affected with TRMU-related conditions. This variant is not present in population databases (gnomAD no frequency). This sequence change affects an acceptor splice site in intron 8 of the TRMU gene. It is expected to disrupt RNA splicing. Variants that disrupt the donor or acceptor splice site typically lead to a loss of protein function (PMID: 16199547), and loss-of-function variants in TRMU are known to be pathogenic (PMID: 19732863, 23625533).

Literature cited by the submitters: PubMed 16199547 (cited by Labcorp Genetics (formerly Invitae), Labcorp); PubMed 19732863 (cited by Labcorp Genetics (formerly Invitae), Labcorp); PubMed 23625533 (cited by Labcorp Genetics (formerly Invitae), Labcorp).